The following is an entry in ClinVar:

NM_003482.4(KMT2D):c.6177del (p.Tyr2060fs)

Gene: KMT2D (lysine methyltransferase 2D; minus strand). Cytogenetic location: 12q13.12.
Variant type: Deletion.
Coding change: c.6177del on transcript NM_003482.4 (MANE Select); coding-DNA position 6177, one base deleted (C; older notation c.6177delC).
Protein change: p.Tyr2060fs; shifts the reading frame from tyrosine 2060.
Molecular consequence: frameshift variant.
Genome position (GRCh38, 1-based): chr12:49,041,923, G deleted on the plus strand (C on the coding strand, the reverse complement: KMT2D is on the minus strand); the first of 5 consecutive G bases (chr12:49,041,923-49,041,927); deleting any one gives the same sequence. VCF-style (leftmost placement, unchanged base first): chr12-49041922-AG-A. GRCh37 (hg19) VCF-style: chr12-49435705-AG-A.
Other names: short protein forms Y2060fs.
Identifiers: ClinVar variation 1069246 (VCV001069246.7), dbSNP rs2120551414, ClinGen allele CA2499221715.

ClinVar aggregate classification (germline): Pathogenic (1 of 4 stars; one submission).

Conditions:
Kabuki syndrome. Also called: Kabuki make-up syndrome; NIIKAWA-KUROKI SYNDROME. Identifiers: Orphanet 2322, MedGen C0796004, MONDO:0016512.

Submission:

Labcorp Genetics (formerly Invitae), Labcorp
Classification: Pathogenic for Kabuki syndrome. Last evaluated: 2020-03-06. Review status: criteria provided, single submitter. Criteria: Invitae Variant Classification Sherloc (09022015). Collection method: clinical testing. Allele origin: germline.
Comment: For these reasons, this variant has been classified as Pathogenic. Loss-of-function variants in KMT2D are known to be pathogenic (PMID: 22126750). This variant has not been reported in the literature in individuals with KMT2D-related conditions. This variant is not present in population databases (ExAC no frequency). This sequence change creates a premature translational stop signal (p.Tyr2060Thrfs*34) in the KMT2D gene. It is expected to result in an absent or disrupted protein product.

Literature cited by the submitters: PubMed 22126750.